The following is an entry in ClinVar:

ClinVar aggregate classification (germline): Conflicting classifications of pathogenicity. Review status: criteria provided, conflicting classifications (1 of 4 stars). 6 submissions from 6 submitters: Uncertain significance (5); Likely benign (1). Last evaluated 2026-01-27.

Conditions:
Familial cold autoinflammatory syndrome 2 (FCAS2). Identifiers: Orphanet 247868, MedGen C2673198, MONDO:0012724, OMIM 611762.
Autoinflammatory syndrome. Identifiers: Orphanet 93665, MedGen C3890737, MONDO:0019751.

Allele frequency attached by ClinVar (database versions not stated): ESP Exome Variant Server 0.00024.

Submissions (6):

Labcorp Genetics (formerly Invitae), Labcorp
Classification: Uncertain significance for Familial cold autoinflammatory syndrome 2. Last evaluated: 2026-01-27. Review status: criteria provided, single submitter. Criteria: Invitae Variant Classification Sherloc (09022015). Collection method: clinical testing. Allele origin: germline.
Comment: This sequence change falls in intron 3 of the NLRP12 gene. It does not directly change the encoded amino acid sequence of the NLRP12 protein. It affects a nucleotide within the consensus splice site. The frequency data for this variant in the population databases is considered unreliable, as metrics indicate poor data quality at this position in the gnomAD database. This variant has not been reported in the literature in individuals affected with NLRP12-related conditions. ClinVar contains an entry for this variant (Variation ID: 811868). Variants that disrupt the consensus splice site are a relatively common cause of aberrant splicing (PMID: 17576681, 9536098). Algorithms developed to predict the effect of sequence changes on RNA splicing suggest that this variant may disrupt the consensus splice site. In summary, the available evidence is currently insufficient to determine the role of this variant in disease. Therefore, it has been classified as a Variant of Uncertain Significance.

Blueprint Genetics
Classification: Likely benign. Last evaluated: 2024-03-04. Review status: criteria provided, single submitter. Criteria: ACMG Guidelines, 2015. Collection method: clinical testing. Allele origin: germline.

Mendelics
Classification: Uncertain significance. Last evaluated: 2022-05-04. Review status: criteria provided, single submitter. Criteria: Mendelics Assertion Criteria 2019. Collection method: clinical testing. Allele origin: germline.

Fulgent Genetics
Classification: Uncertain significance for Familial cold autoinflammatory syndrome 2. Last evaluated: 2022-04-18. Review status: criteria provided, single submitter. Criteria: ACMG Guidelines, 2015. Collection method: clinical testing. Allele origin: unknown.

Genome Diagnostics Laboratory, The Hospital for Sick Children
Classification: Uncertain significance for Autoinflammatory syndrome. Last evaluated: 2021-05-12. Review status: criteria provided, single submitter. Criteria: ACMG Guidelines, 2015. Collection method: clinical testing. Allele origin: germline. Affected: yes.

Juno Genomics, Hangzhou Juno Genomics, Inc
Classification: Uncertain significance for Familial cold autoinflammatory syndrome 2. Review status: criteria provided, single submitter. Criteria: ACMG Guidelines, 2015. Collection method: clinical testing. Allele origin: germline.
Comment: Absent from controls (or at extremely low frequency if recessive) in Genome Aggregation Database.

Literature cited by the submitters: PubMed 17576681 (cited by Labcorp Genetics (formerly Invitae), Labcorp); PubMed 9536098 (cited by Labcorp Genetics (formerly Invitae), Labcorp).

NM_144687.4(NLRP12):c.2072+2_2072+3insTT

Gene: NLRP12 (NLR family pyrin domain containing 12; minus strand). Cytogenetic location: 19q13.42.
Variant type: Insertion.
Coding change: c.2072+2_2072+3insTT on transcript NM_144687.4 (MANE Select); the canonical splice donor site of the intron after coding-DNA position 2072 through 3 bases into the intron after coding-DNA position 2072, TT inserted.
Molecular consequence: splice donor variant.
Genome position: GRCh38 VCF-style: chr19-53809584-T-TAA. GRCh37 (hg19) VCF-style: chr19-54312838-T-TAA.
Other names: c.2072+2_2072+3insTT (NM_001277129.1, NM_001277126.2).
Identifiers: ClinVar variation 811868 (VCV000811868.17), dbSNP rs104895565, ClinGen allele CA9639270.